The following is an entry in ClinVar:

NM_145059.3(FCSK):c.2704G>C (p.Ala902Pro)

Gene: FCSK (fucose kinase; plus strand). Cytogenetic location: 16q22.1.
Variant type: single nucleotide variant.
Coding change: c.2704G>C on transcript NM_145059.3 (MANE Select); coding-DNA position 2704, G replaced by C.
Protein change: p.Ala902Pro; replaces alanine 902 with proline.
Molecular consequence: missense variant.
Genome position (GRCh38, 1-based): chr16:70,478,334, G>C. VCF-style: chr16-70478334-G-C. GRCh37 (hg19) VCF-style: chr16-70512237-G-C.
Other names: c.2704G>C (NM_145059.2); short protein forms A902P.
Identifiers: ClinVar variation 1917649 (VCV001917649.6), dbSNP rs764590076, ClinGen allele CA8143712.
Genomic context (GRCh38, chr16:70,478,334, plus strand): 5'-GGTGGCTGGCAGGACCAAGTAGGTGGCCTAATGCCTGGCATCAAGGTGGGGCGCTCCCGG[G>C]CTCAGCTGCCACTGAAGGTGGAGGTAGAAGAGGTCACGGTGCCTGAGGGCTTTGTCCAGA-3'
Protein context (NP_659496.2, residues 892-912): MPGIKVGRSR[Ala902Pro]QLPLKVEVEE

ClinVar aggregate classification (germline): Uncertain significance. Review status: criteria provided, multiple submitters, no conflicts (2 of 4 stars). 2 submissions from 2 submitters: Uncertain significance (2). Last evaluated 2025-01-27.

Allele frequency attached by ClinVar (database versions not stated): gnomAD 0.00006; ExAC 0.00012; gnomAD exomes 0.00023.

Submissions (2):

Labcorp Genetics (formerly Invitae), Labcorp
Classification: Uncertain significance. Last evaluated: 2025-01-27. Review status: criteria provided, single submitter. Criteria: Invitae Variant Classification Sherloc (09022015). Collection method: clinical testing. Allele origin: germline.
Comment: This sequence change replaces alanine, which is neutral and non-polar, with proline, which is neutral and non-polar, at codon 902 of the FUK protein (p.Ala902Pro). This variant is present in population databases (rs764590076, gnomAD 0.2%), and has an allele count higher than expected for a pathogenic variant. This variant has not been reported in the literature in individuals affected with FUK-related conditions. ClinVar contains an entry for this variant (Variation ID: 1917649). An algorithm developed to predict the effect of missense changes on protein structure and function outputs the following: PolyPhen-2: "Benign". The proline amino acid residue is found in multiple mammalian species, which suggests that this missense change does not adversely affect protein function. In summary, the available evidence is currently insufficient to determine the role of this variant in disease. Therefore, it has been classified as a Variant of Uncertain Significance.

Ambry Genetics
Classification: Uncertain significance. Last evaluated: 2023-12-15. Review status: criteria provided, single submitter. Criteria: Ambry Variant Classification Scheme 2023. Collection method: clinical testing. Allele origin: germline.